The following is an entry in ClinVar:

NM_003906.5(MCM3AP):c.3986A>G (p.Tyr1329Cys)

Gene: MCM3AP (minichromosome maintenance complex component 3 associated protein; minus strand). Cytogenetic location: 21q22.3.
Variant type: single nucleotide variant.
Coding change: c.3986A>G on transcript NM_003906.5 (MANE Select); coding-DNA position 3986, A replaced by G.
Protein change: p.Tyr1329Cys; replaces tyrosine 1329 with cysteine.
Molecular consequence: missense variant.
Genome position (GRCh38, 1-based): chr21:46,254,791, T>C on the plus strand (A>G on the coding strand, the complement: MCM3AP is on the minus strand). VCF-style: chr21-46254791-T-C. GRCh37 (hg19) VCF-style: chr21-47674705-T-C.
Other names: short protein forms Y1329C.
Identifiers: ClinVar variation 2067031 (VCV002067031.2), dbSNP rs140896067, ClinGen allele CA10076297.
Genomic context (GRCh38, chr21:46,254,791, plus strand): 5'-ACGGGGATCACCAGGGGGTGCGCAGAAGGGTGCAGCATGACAGACCTCAGCAGCTGCTGG[T>C]AGAAGTGCTGAACCTTCATCTGGTGAGCTGTCTTGTTTCTGAGCCGCCTTAACCTGCAAA-3'
Protein context (NP_003897.2, residues 1319-1339): TAHQMKVQHF[Tyr1329Cys]QQLLSDVAWA

ClinVar aggregate classification (germline): Uncertain significance. Review status: criteria provided, multiple submitters, no conflicts (2 of 4 stars). 2 submissions from 2 submitters: Uncertain significance (2). Last evaluated 2022-08-16.

Conditions:
Inborn genetic diseases. Identifiers: MedGen C0950123, MeSH D030342.

Allele frequency attached by ClinVar (database versions not stated): gnomAD 0.00001; TOPMed 0.00002; ExAC 0.00003; ESP Exome Variant Server 0.00008.
gnomAD v4.1: 12 of 1,613,808 alleles (0.00074%); highest among the groups gnomAD compares: Admixed American, 0.005%; no homozygotes.

Submissions (2):

Labcorp Genetics (formerly Invitae), Labcorp
Classification: Uncertain significance. Last evaluated: 2022-08-16. Review status: criteria provided, single submitter. Criteria: Invitae Variant Classification Sherloc (09022015). Collection method: clinical testing. Allele origin: germline.
Comment: This sequence change replaces tyrosine, which is neutral and polar, with cysteine, which is neutral and slightly polar, at codon 1329 of the MCM3AP protein (p.Tyr1329Cys). This variant is present in population databases (rs140896067, gnomAD 0.009%). This variant has not been reported in the literature in individuals affected with MCM3AP-related conditions. Algorithms developed to predict the effect of missense changes on protein structure and function are either unavailable or do not agree on the potential impact of this missense change (SIFT: "Deleterious"; PolyPhen-2: "Benign"; Align-GVGD: "Class C25"). In summary, the available evidence is currently insufficient to determine the role of this variant in disease. Therefore, it has been classified as a Variant of Uncertain Significance.

Ambry Genetics
Classification: Uncertain significance for Inborn genetic diseases. Last evaluated: 2021-08-13. Review status: criteria provided, single submitter. Criteria: Ambry Variant Classification Scheme 2023. Collection method: clinical testing. Allele origin: germline.